The following is an entry in ClinVar:

ClinVar aggregate classification (germline): Likely benign. Review status: criteria provided, multiple submitters, no conflicts (2 of 4 stars). 4 submissions from 4 submitters: Likely benign (4). Last evaluated 2025-10-22.

Conditions:
Cardiac arrhythmia. Also called: Cardiac rhythm disease; Arrhythmia. Identifiers: MedGen C0003811, MONDO:0007263, HP:0011675.
Cardiovascular phenotype. Identifiers: MedGen CN230736.
Long QT syndrome (LQTS). Identifiers: MedGen C0023976, MeSH D008133, MONDO:0002442. Disease mechanism: loss of function. Inheritance: Various modes of inheritance.

Allele frequency attached by ClinVar (database versions not stated): gnomAD 0.00001; gnomAD exomes 0.00001 and 0.00002; TOPMed 0.00001; ExAC 0.00002.
gnomAD v4.1: 38 of 1,612,556 alleles (0.0024%); highest among the groups gnomAD compares: Middle Eastern, 0.049%; no homozygotes.

Submissions (4):

Labcorp Genetics (formerly Invitae), Labcorp
Classification: Likely benign for Long QT syndrome. Last evaluated: 2025-10-22. Review status: criteria provided, single submitter. Criteria: Invitae Variant Classification Sherloc (09022015). Collection method: clinical testing. Allele origin: germline.

All of Us Research Program, National Institutes of Health
Classification: Likely benign for Long QT syndrome. Last evaluated: 2023-12-01. Review status: criteria provided, single submitter. Criteria: ACMG Guidelines, 2015. Collection method: clinical testing. Allele origin: germline. Inheritance: Autosomal dominant inheritance. Observed: 6 variant alleles, 6 heterozygotes.
Comment: This study involves interpretation of variants in research participants for the purpose of population health screening. Participant phenotype was not available at the time of variant classification. Additional details can be found in publication PMID: 35346344, PMCID: PMC8962531

Ambry Genetics
Classification: Likely benign for Cardiovascular phenotype. Last evaluated: 2020-08-31. Review status: criteria provided, single submitter. Criteria: Ambry Variant Classification Scheme 2023. Collection method: clinical testing. Allele origin: germline.

Color Diagnostics, LLC DBA Color Health
Classification: Likely benign for Arrhythmia. Last evaluated: 2019-10-30. Review status: criteria provided, single submitter. Criteria: ACMG Guidelines, 2015. Collection method: clinical testing. Allele origin: germline.

NM_000238.4(KCNH2):c.1980G>A (p.Ser660=)

Gene: KCNH2 (potassium voltage-gated channel subfamily H member 2; minus strand). Cytogenetic location: 7q36.1.
Variant type: single nucleotide variant.
Coding change: c.1980G>A on transcript NM_000238.4 (MANE Select); coding-DNA position 1980, G replaced by A.
Protein change: p.Ser660=; no amino-acid change (serine 660 retained).
Molecular consequence: synonymous variant. On other transcripts: non-coding transcript variant (2).
Genome position (GRCh38, 1-based): chr7:150,951,086, C>T on the plus strand (G>A on the coding strand, the complement: KCNH2 is on the minus strand). VCF-style: chr7-150951086-C-T. GRCh37 (hg19) VCF-style: chr7-150648174-C-T.
Other names: c.960G>A, p.Ser320= (NM_001204798.2, NM_172057.3); c.1692G>A, p.Ser564= (NM_001406753.1, NM_001406756.1); c.1803G>A, p.Ser601= (NM_001406755.1); c.1680G>A, p.Ser560= (NM_001406757.1); c.1980G>A, p.Ser660= (NM_172056.3).
Identifiers: ClinVar variation 413326 (VCV000413326.30), dbSNP rs774258761, ClinGen allele CA030260.